The following is an entry in ClinVar:

NM_001081550.2(THOC2):c.2195C>T (p.Ala732Val)

Gene: THOC2 (THO complex subunit 2; minus strand). Cytogenetic location: Xq25.
Variant type: single nucleotide variant.
Coding change: c.2195C>T on transcript NM_001081550.2 (MANE Select); coding-DNA position 2195, C replaced by T.
Protein change: p.Ala732Val; replaces alanine 732 with valine.
Molecular consequence: missense variant.
Genome position (GRCh38, 1-based): chrX:123,632,982, G>A on the plus strand (C>T on the coding strand, the complement: THOC2 is on the minus strand). VCF-style: chrX-123632982-G-A. GRCh37 (hg19) VCF-style: chrX-122766833-G-A.
Other names: c.2195C>T, p.Ala732Val (NM_001441235.1, NM_001441236.1); short protein forms A732V.
Identifiers: ClinVar variation 4528214 (VCV004528214.1).

ClinVar aggregate classification (germline): Uncertain significance (1 of 4 stars; one submission).

gnomAD v4.1: 2 of 1,209,562 alleles (0.00017%); highest among the groups gnomAD compares: Admixed American, 0.0044%; no homozygotes.

Submission:

GeneDx
Classification: Uncertain significance. Last evaluated: 2025-05-10. Review status: criteria provided, single submitter. Criteria: GeneDx Variant Classification Process June 2021. Collection method: clinical testing. Allele origin: germline. Affected: yes.
Comment: In silico analysis supports that this missense variant has a deleterious effect on protein structure/function; Has not been previously published as pathogenic or benign to our knowledge